The following is an entry in ClinVar:

NM_153332.4(ERI1):c.550G>C (p.Asp184His)

Gene: ERI1 (exoribonuclease 1). Cytogenetic location: 8p23.1.
Variant type: single nucleotide variant.
Coding change: c.550G>C on transcript NM_153332.4 (MANE Select); coding-DNA position 550, G replaced by C.
Protein change: p.Asp184His; replaces aspartic acid 184 with histidine.
Molecular consequence: missense variant.
Genome position (GRCh38, 1-based): chr8:9,016,373, G>C. VCF-style: chr8-9016373-G-C. GRCh37 (hg19) VCF-style: chr8-8873883-G-C.
Other names: c.316G>C, p.Asp106His (NM_001354635.2); c.205G>C, p.Asp69His (NM_001354636.2); c.550G>C, p.Asp184His (NM_001354638.2); short protein forms D106H, D184H, D69H.
Identifiers: ClinVar variation 4534484 (VCV004534484.6).

ClinVar aggregate classification (germline): Uncertain significance (1 of 4 stars; one submission).

gnomAD v4.1: 1 of 1,607,272 alleles (0.000062%); highest among the groups gnomAD compares: Non-Finnish European, 0.000085%; no homozygotes.

Submission:

CeGaT Center for Human Genetics Tuebingen
Classification: Uncertain significance. Last evaluated: 2025-11-01. Review status: criteria provided, single submitter. Criteria: CeGaT Center For Human Genetics Tuebingen Variant Classification Criteria Version 2. Collection method: clinical testing. Allele origin: germline. Affected: yes. Observed: 1 variant allele.
Comment: ERI1: PM2, BP4